The following is an entry in ClinVar:

ClinVar aggregate classification (germline): Uncertain significance (1 of 4 stars; one submission).

Conditions:
Primary ciliary dyskinesia. Also called: Ciliary dyskinesia. Identifiers: Orphanet 244, MedGen C0008780, MONDO:0016575, HP:0012265.

Submission:

Labcorp Genetics (formerly Invitae), Labcorp
Classification: Uncertain significance for Primary ciliary dyskinesia. Last evaluated: 2023-03-08. Review status: criteria provided, single submitter. Criteria: Invitae Variant Classification Sherloc (09022015). Collection method: clinical testing. Allele origin: germline.
Comment: In summary, the available evidence is currently insufficient to determine the role of this variant in disease. Therefore, it has been classified as a Variant of Uncertain Significance. Experimental studies and prediction algorithms are not available or were not evaluated, and the functional significance of this variant is currently unknown. This variant has not been reported in the literature in individuals affected with RPGR (ORF15)-related conditions. This variant is present in population databases (rs777132996, gnomAD 0.01%). This variant, c.3170_3172del, results in the deletion of 1 amino acid(s) of the RPGR (ORF15) protein (p.Arg1057del), but otherwise preserves the integrity of the reading frame.

NM_001034853.2(RPGR):c.3167GGA[1] (p.Arg1057del)

Gene: RPGR (retinitis pigmentosa GTPase regulator; minus strand). Cytogenetic location: Xp11.4.
Variant type: Microsatellite.
Coding change: c.3167GGA[1] on transcript NM_001034853.2 (MANE Select); one copy of the 3-base unit GGA starting at c.3167; the reference has two copies in a row; one copy, 3 bases deleted.
Protein change: p.Arg1057del; deletes arginine 1057.
Molecular consequence: inframe deletion. On other transcripts: intron variant (8).
Genome position (GRCh38, 1-based): chrX:38,285,827-38,285,829, TCC deleted on the plus strand (GGA on the coding strand, the reverse complement: RPGR is on the minus strand); deleting any 3 consecutive bases within chrX:38,285,827-38,285,833 gives the same sequence; the position shown is the placement nearest the transcript's 3' end. VCF-style (leftmost placement, unchanged base first): chrX-38285826-TTCC-T. GRCh37 (hg19) VCF-style: chrX-38145079-TTCC-T.
Other names: c.1569+5130_1569+5132del (NM_001367249.1, NM_001367250.1); c.1902+1265_1902+1267del (NM_001367245.1); c.1386+5130_1386+5132del (NM_001367251.1); c.1719+1265_1719+1267del (NM_001367246.1); c.1572+5130_1572+5132del (NM_001367247.1); c.1905+1265_1905+1267del (NM_000328.3); c.1602+5130_1602+5132del (NM_001367248.1); short protein forms R1057del.
Identifiers: ClinVar variation 2141728 (VCV002141728.4), dbSNP rs777132996, ClinGen allele CA10385178.